The following is an entry in ClinVar:

ClinVar aggregate classification (germline): Uncertain significance (1 of 4 stars; one submission).

Allele frequency attached by ClinVar (database versions not stated): gnomAD 0.00001; TOPMed 0.00001.
gnomAD v4.1: 2 of 1,613,956 alleles (0.00012%); highest among the groups gnomAD compares: African/African-American, 0.0027%; no homozygotes.

Submission:

Labcorp Genetics (formerly Invitae), Labcorp
Classification: Uncertain significance. Last evaluated: 2020-03-17. Review status: criteria provided, single submitter. Criteria: Invitae Variant Classification Sherloc (09022015). Collection method: clinical testing. Allele origin: germline.
Comment: In summary, the available evidence is currently insufficient to determine the role of this variant in disease. Therefore, it has been classified as a Variant of Uncertain Significance. Algorithms developed to predict the effect of missense changes on protein structure and function (SIFT, PolyPhen-2, Align-GVGD) all suggest that this variant is likely to be disruptive, but these predictions have not been confirmed by published functional studies and their clinical significance is uncertain. This variant has not been reported in the literature in individuals with VCAN-related conditions. This variant is not present in population databases (ExAC no frequency). This sequence change replaces proline with threonine at codon 1882 of the VCAN protein (p.Pro1882Thr). The proline residue is highly conserved and there is a small physicochemical difference between proline and threonine.

NM_004385.5(VCAN):c.5644C>A (p.Pro1882Thr)

Genes: VCAN (versican; plus strand), VCAN-AS1 (VCAN antisense RNA 1; minus strand). Cytogenetic location: 5q14.3.
Variant type: single nucleotide variant.
Coding change: c.5644C>A on transcript NM_004385.5 (MANE Select); coding-DNA position 5644, C replaced by A.
Protein change: p.Pro1882Thr; replaces proline 1882 with threonine.
Molecular consequence: missense variant. On other transcripts: intron variant (2).
Genome position (GRCh38, 1-based): chr5:83,538,647, C>A. VCF-style: chr5-83538647-C-A. GRCh37 (hg19) VCF-style: chr5-82834466-C-A.
Other names: c.2683C>A, p.Pro895Thr (NM_001164097.2); c.4004-6890C>A (NM_001164098.2); c.1043-6890C>A (NM_001126336.3); short protein forms P1882T, P895T.
Identifiers: ClinVar variation 1022894 (VCV001022894.8), dbSNP rs1241013606, ClinGen allele CA360310843.